The following is an entry in ClinVar:

ClinVar aggregate classification (germline): Benign. Review status: criteria provided, multiple submitters, no conflicts (2 of 4 stars). 13 submissions from 13 submitters: Benign (9). 4 of the submissions do not count toward it. Last evaluated 2026-02-04.

Conditions:
Polyglandular autoimmune syndrome, type 1 (APS1). Also called: Autoimmune polyendocrinopathy syndrome, type I; Autoimmune polyendocrine syndrome type 1; Autoimmune polyendocrinopathy syndrome , type I, with or without reversible metaphyseal dysplasia; AUTOIMMUNE POLYENDOCRINE SYNDROME, TYPE I, WITH OR WITHOUT REVERSIBLE METAPHYSEAL DYSPLASIA; HYPOADRENOCORTICISM WITH HYPOPARATHYROIDISM AND SUPERFICIAL MONILIASIS; PGA I. Identifiers: Orphanet 3453, MedGen C0085859, MONDO:0009411, OMIM 240300.

Allele frequency attached by ClinVar (database versions not stated): ESP Exome Variant Server 0.08897; gnomAD exomes 0.09421; gnomAD 0.10544 and 0.10838; TOPMed 0.11105; ExAC 0.13212; 1000 Genomes Project 30x 0.14288; 1000 Genomes Project 0.14956.
gnomAD v4.1: 148,358 of 1,545,422 alleles (9.6%); highest among the groups gnomAD compares: East Asian, 35%; 9,064 homozygotes.

Submissions (13):

Labcorp Genetics (formerly Invitae), Labcorp
Classification: Benign for Polyglandular autoimmune syndrome, type 1. Last evaluated: 2026-02-04. Review status: criteria provided, single submitter. Criteria: Invitae Variant Classification Sherloc (09022015). Collection method: clinical testing. Allele origin: germline.

Blueprint Genetics
Classification: Benign. Last evaluated: 2024-11-28. Review status: criteria provided, single submitter. Criteria: ACMG Guidelines, 2015. Collection method: clinical testing. Allele origin: germline.

Mayo Clinic Laboratories, Mayo Clinic
Classification: Benign. Last evaluated: 2023-09-11. Review status: criteria provided, single submitter. Criteria: ACMG Guidelines, 2015. Collection method: clinical testing. Allele origin: germline. Observed: 146 variant alleles.
Comment: BA1, BS2, BP4, BP7

Genome-Nilou Lab
Classification: Benign for Polyglandular autoimmune syndrome, type 1. Last evaluated: 2021-07-10. Review status: criteria provided, single submitter. Criteria: ACMG Guidelines, 2015. Collection method: clinical testing. Allele origin: germline. Affected: no.

GeneDx
Classification: Benign. Last evaluated: 2018-12-12. Review status: criteria provided, single submitter. Criteria: GeneDx Variant Classification Process June 2021. Collection method: clinical testing. Allele origin: germline. Affected: yes.
Comment: This variant is associated with the following publications: (PMID: 19863576, 25402387, 23262341)

Athena Diagnostics
Classification: Benign. Last evaluated: 2017-10-11. Review status: criteria provided, single submitter. Criteria: Athena Diagnostics Criteria. Collection method: clinical testing. Allele origin: germline.

Eurofins Ntd Llc (ga)
Classification: Benign. Last evaluated: 2015-09-21. Review status: criteria provided, single submitter. Criteria: EGL Classification Definitions 2015. Collection method: clinical testing. Allele origin: germline. Observed: 1 variant allele, 1 heterozygote.

Breakthrough Genomics
Classification: Benign. Review status: criteria provided, single submitter. Criteria: ACMG Guidelines, 2015. Collection method: not provided. Allele origin: germline. Inheritance: Autosomal recessive inheritance. Affected: yes.

PreventionGenetics, part of Exact Sciences
Classification: Benign. Review status: criteria provided, single submitter. Criteria: ACMG Guidelines, 2015. Collection method: clinical testing. Allele origin: germline.

Natera, Inc.
Classification: Benign for Polyglandular autoimmune syndrome type 1. Last evaluated: 2020-09-16. Review status: no assertion criteria provided. Collection method: clinical testing. Allele origin: germline. Not counted in ClinVar's aggregate classification.

Genetic Services Laboratory, University of Chicago
Classification: Likely benign for AllHighlyPenetrant. Review status: no assertion criteria provided. Collection method: clinical testing. Allele origin: germline. Inheritance: Autosomal recessive inheritance. Not counted in ClinVar's aggregate classification.
Comment: Likely benign based on allele frequency in 1000 Genomes Project or ESP global frequency and its presence in a patient with a rare or unrelated disease phenotype. NOT Sanger confirmed.

Genome Diagnostics Laboratory, University Medical Center Utrecht
Classification: Benign. Review status: no assertion criteria provided. Collection method: clinical testing. Allele origin: germline. Affected: yes. Study: VKGL Data-share Consensus. Not counted in ClinVar's aggregate classification.

Joint Genome Diagnostic Labs from Nijmegen and Maastricht, Radboudumc and MUMC+
Classification: Benign. Review status: no assertion criteria provided. Collection method: clinical testing. Allele origin: germline. Affected: yes. Study: VKGL Data-share Consensus. Not counted in ClinVar's aggregate classification.

Literature cited by the submitters: PubMed 19863576 (cited by Mayo Clinic Laboratories, Mayo Clinic); PubMed 25402387 (cited by Mayo Clinic Laboratories, Mayo Clinic); PubMed 35683627 (cited by Mayo Clinic Laboratories, Mayo Clinic).

NM_000383.4(AIRE):c.1095+6G>A

Gene: AIRE (autoimmune regulator; plus strand). Cytogenetic location: 21q22.3.
Variant type: single nucleotide variant.
Coding change: c.1095+6G>A on transcript NM_000383.4 (MANE Select); 6 bases into the intron after coding-DNA position 1095, G replaced by A.
Molecular consequence: intron variant.
Genome position (GRCh38, 1-based): chr21:44,292,407, G>A. VCF-style: chr21-44292407-G-A. GRCh37 (hg19) VCF-style: chr21-45712290-G-A.
Other names: p.?; c.1095+6G>A (LRG_18t1).
Identifiers: ClinVar variation 128329 (VCV000128329.29), dbSNP rs1800525, ClinGen allele CA151715.